The following is an entry in ClinVar:

NM_006766.5(KAT6A):c.1081G>T (p.Gly361Ter)

Gene: KAT6A (lysine acetyltransferase 6A; minus strand). Cytogenetic location: 8p11.21.
Variant type: single nucleotide variant.
Coding change: c.1081G>T on transcript NM_006766.5 (MANE Select); coding-DNA position 1081, G replaced by T.
Protein change: p.Gly361Ter; replaces glycine 361 with a stop codon.
Molecular consequence: nonsense.
Genome position (GRCh38, 1-based): chr8:41,977,290, C>A on the plus strand (G>T on the coding strand, the complement: KAT6A is on the minus strand). VCF-style: chr8-41977290-C-A. GRCh37 (hg19) VCF-style: chr8-41834808-C-A.
Other names: c.1081G>T, p.Gly361Ter (NM_001305878.2); short protein forms G361*.
Identifiers: ClinVar variation 3862468 (VCV003862468.1).

ClinVar aggregate classification (germline): Pathogenic (1 of 4 stars; one submission).

Conditions:
Inborn genetic diseases. Identifiers: MedGen C0950123, MeSH D030342.

Submission:

Ambry Genetics
Classification: Pathogenic for Inborn genetic diseases. Last evaluated: 2025-03-12. Review status: criteria provided, single submitter. Criteria: Ambry Variant Classification Scheme 2023. Collection method: clinical testing. Allele origin: germline.
Comment: The c.1081G>T (p.G361*) alteration, located in exon 7 (coding exon 6) of the KAT6A gene, consists of a G to T substitution at nucleotide position 1081. This changes the amino acid from a glycine (G) to a stop codon at amino acid position 361. This alteration is expected to result in loss of function by premature protein truncation or nonsense-mediated mRNA decay. This variant was not reported in population-based cohorts in the Genome Aggregation Database (gnomAD). Based on the available evidence, this alteration is classified as pathogenic.